The following is an entry in ClinVar:

NM_002485.5(NBN):c.93_94del (p.Ala32fs)

Gene: NBN (nibrin; minus strand). Cytogenetic location: 8q21.3.
Variant type: Microsatellite.
Coding change: c.93_94del on transcript NM_002485.5 (MANE Select); coding-DNA positions 93 to 94, 2 bases deleted (TG; older notation c.93_94delTG).
Protein change: p.Ala32fs; shifts the reading frame from alanine 32.
Molecular consequence: frameshift variant. On other transcripts: 5 prime UTR variant (1).
Genome position (GRCh38, 1-based): chr8:89,982,799-89,982,800, CA deleted on the plus strand (TG on the coding strand, the reverse complement: NBN is on the minus strand); deleting any 2 consecutive bases within chr8:89,982,799-89,982,802 gives the same sequence; the c. name uses the placement nearest the transcript's 3' end. VCF-style (leftmost placement, unchanged base first): chr8-89982798-GCA-G. GRCh37 (hg19) VCF-style: chr8-90995026-GCA-G.
Other names: c.93_94delTG (NM_002485.4); c.-206TG[1] (NM_001024688.3); short protein forms A32fs.
Identifiers: ClinVar variation 219789 (VCV000219789.30), dbSNP rs864622253, ClinGen allele CA350713.

ClinVar aggregate classification (germline): Pathogenic/Likely pathogenic. Review status: criteria provided, multiple submitters, no conflicts (2 of 4 stars). 7 submissions from 7 submitters: Pathogenic (3); Likely pathogenic (4). Last evaluated 2025-12-11.

Conditions:
Prostate cancer susceptibility. Also called: PROSTATE CANCER, SUSCEPTIBILITY TO. Identifiers: MedGen C3469524.
Lymphoma. Identifiers: Orphanet 223735, MedGen C0024299, MeSH D008223, MONDO:0005062, HP:0002665.
Familial cancer of breast. Also called: hereditary breast carcinoma; Hereditary breast cancer; BREAST CANCER, FAMILIAL. Identifiers: Orphanet 227535, MedGen C0346153, MONDO:0016419, OMIM 114480. Disease mechanism: loss of function.
Hereditary cancer-predisposing syndrome. Also called: Tumor predisposition; Hereditary neoplastic syndrome; Neoplastic Syndromes, Hereditary; Hereditary Cancer Syndrome. Identifiers: Orphanet 140162, MedGen C0027672, MeSH D009386, MONDO:0015356.
Aplastic anemia. Identifiers: Orphanet 182040, Orphanet 88, MedGen C0002874, MONDO:0015909, OMIM 609135, HP:0001915.
Microcephaly, normal intelligence and immunodeficiency (NBS). Also called: Immunodeficiency, microcephaly with normal intelligence; BERLIN BREAKAGE SYNDROME; IMMUNODEFICIENCY, MICROCEPHALY, AND CHROMOSOMAL INSTABILITY; SEEMANOVA SYNDROME II; Ataxia telangiectasia variant V1; Nijmegen breakage syndrome. Identifiers: Orphanet 647, MedGen C0398791, MONDO:0009623, OMIM 251260.

Submissions (7):

Labcorp Genetics (formerly Invitae), Labcorp
Classification: Pathogenic for Microcephaly, normal intelligence and immunodeficiency. Last evaluated: 2025-12-11. Review status: criteria provided, single submitter. Criteria: Invitae Variant Classification Sherloc (09022015). Collection method: clinical testing. Allele origin: germline.
Comment: This sequence change creates a premature translational stop signal (p.Ala32Hisfs*4) in the NBN gene. It is expected to result in an absent or disrupted protein product. Loss-of-function variants in NBN are known to be pathogenic (PMID: 9590180, 16415040). This variant is not present in population databases (gnomAD no frequency). This premature translational stop signal has been observed in individual(s) with lung cancer (PMID: 9590180, 16415040, 27844240). ClinVar contains an entry for this variant (Variation ID: 219789). For these reasons, this variant has been classified as Pathogenic.

Natera, Inc.
Classification: Likely pathogenic for Nijmegen breakage syndrome. Last evaluated: 2025-08-08. Review status: criteria provided, single submitter. Criteria: Natera Variant Classification Schema (03/2026). Collection method: clinical testing. Allele origin: germline.
Comment: The c.93_94delTG variant in NBN is a frameshift variant predicted to shift the reading frame beginning at codon 32 and leads to a stop codon 4 codons downstream. This variant is expected to result in nonsense mediated decay, truncation, or a dysfunctional protein product. This variant is rare in the general population with a frequency below the threshold expected for the associated phenotype(s). Given the available evidence, this variant is classified as Likely Pathogenic.

GeneDx
Classification: Likely pathogenic. Last evaluated: 2024-03-05. Review status: criteria provided, single submitter. Criteria: GeneDx Variant Classification Process June 2021. Collection method: clinical testing. Allele origin: germline. Affected: yes.
Comment: Frameshift variant predicted to result in protein truncation or nonsense mediated decay in a gene for which loss-of-function is a known mechanism of disease; Not observed in large population cohorts (gnomAD); Observed in individuals with a personal history of lung cancer and leukemia (PMID: 27844240, 31102422); This variant is associated with the following publications: (PMID: 27844240, 30639082, 31102422, 36346689)

Quest Diagnostics Nichols Institute San Juan Capistrano
Classification: Likely pathogenic. Last evaluated: 2024-02-07. Review status: criteria provided, single submitter. Criteria: Quest Diagnostics criteria. Collection method: clinical testing. Allele origin: unknown.
Comment: The NBN c.93_94del (p.Ala32Hisfs*4) variant alters the translational reading frame of the NBN mRNA and is predicted to cause the premature termination of NBN protein synthesis. This variant has been reported in the published literature in an individual affected with lung cancer as well as an reportedly healthy individual (PMID: 27844240 (2016)). This variant has not been reported in large, multi-ethnic general populations (Genome Aggregation Database). Based on the available information, this variant is classified as likely pathogenic.

Baylor Genetics
Classification: Likely pathogenic for Aplastic anemia. Last evaluated: 2024-01-27. Review status: criteria provided, single submitter. Criteria: ACMG Guidelines, 2015. Collection method: clinical testing. Allele origin: unknown.

Ambry Genetics
Classification: Pathogenic for Hereditary cancer-predisposing syndrome. Last evaluated: 2022-03-07. Review status: criteria provided, single submitter. Criteria: Ambry Variant Classification Scheme 2023. Collection method: clinical testing. Allele origin: germline.
Comment: The c.93_94delTG pathogenic mutation, located in coding exon 2 of the NBN gene, results from a deletion of 2 nucleotides at positions 93 and 94 causing a translational frameshift with a predicted alternate stop codon (p.A32HFS*4). In addition to the clinical data presented in the literature, this alteration is expected to result in loss of function by premature protein truncation or nonsense-mediated mRNA decay. As such, this alteration is interpreted as a disease-causing mutation.

Genome-Nilou Lab
Classification: Pathogenic for Microcephaly, normal intelligence and immunodeficiency. Last evaluated: 2021-11-07. Review status: criteria provided, single submitter. Criteria: ACMG Guidelines, 2015. Collection method: clinical testing. Allele origin: germline. Affected: no.

Literature cited by the submitters: PubMed 9590180 (cited by Labcorp Genetics (formerly Invitae), Labcorp); PubMed 16415040 (cited by Labcorp Genetics (formerly Invitae), Labcorp); PubMed 27844240 (cited by Labcorp Genetics (formerly Invitae), Labcorp and Quest Diagnostics Nichols Institute San Juan Capistrano).